The following is an entry in ClinVar:

ClinVar aggregate classification (germline): Uncertain significance (1 of 4 stars; one submission).

Allele frequency attached by ClinVar (database versions not stated): TOPMed below 0.00001; gnomAD 0.00001.
gnomAD v4.1: 3 of 1,614,028 alleles (0.00019%); highest among the groups gnomAD compares: Non-Finnish European, 0.00025%; no homozygotes.

Submission:

Labcorp Genetics (formerly Invitae), Labcorp
Classification: Uncertain significance. Last evaluated: 2023-01-25. Review status: criteria provided, single submitter. Criteria: Invitae Variant Classification Sherloc (09022015). Collection method: clinical testing. Allele origin: germline.
Comment: In summary, the available evidence is currently insufficient to determine the role of this variant in disease. Therefore, it has been classified as a Variant of Uncertain Significance. Advanced modeling of protein sequence and biophysical properties (such as structural, functional, and spatial information, amino acid conservation, physicochemical variation, residue mobility, and thermodynamic stability) performed at Invitae indicates that this missense variant is expected to disrupt MCM5 protein function. This variant has not been reported in the literature in individuals affected with MCM5-related conditions. This variant is present in population databases (no rsID available, gnomAD 0.0009%). This sequence change replaces proline, which is neutral and non-polar, with leucine, which is neutral and non-polar, at codon 237 of the MCM5 protein (p.Pro237Leu).

NM_006739.4(MCM5):c.710C>T (p.Pro237Leu)

Gene: MCM5 (minichromosome maintenance complex component 5; plus strand). Cytogenetic location: 22q12.3.
Variant type: single nucleotide variant.
Coding change: c.710C>T on transcript NM_006739.4 (MANE Select); coding-DNA position 710, C replaced by T.
Protein change: p.Pro237Leu; replaces proline 237 with leucine.
Molecular consequence: missense variant.
Genome position (GRCh38, 1-based): chr22:35,408,521, C>T. VCF-style: chr22-35408521-C-T. GRCh37 (hg19) VCF-style: chr22-35804514-C-T.
Other names: short protein forms P237L.
Identifiers: ClinVar variation 2729495 (VCV002729495.3), dbSNP rs1297692045, ClinGen allele CA411363207.
Genomic context (GRCh38, chr22:35,408,521, plus strand): 5'-ACAAATGCAAATGCGTGGACTTCCAGACCCTGAAGCTGCAGGAGCTGCCTGATGCAGTCC[C>T]CCACGGGGAGATGCCCAGACACATGCAGCTCTACTGCGACAGGTGAGGCAGACGGGCTGG-3'
Protein context (NP_006730.2, residues 227-247): LKLQELPDAV[Pro237Leu]HGEMPRHMQL